The following is an entry in ClinVar:

ClinVar aggregate classification (germline): Uncertain significance. Review status: criteria provided, multiple submitters, no conflicts (2 of 4 stars). 2 submissions from 2 submitters: Uncertain significance (2). Last evaluated 2024-12-16.

Conditions:
Hereditary nonpolyposis colorectal neoplasms. Identifiers: MedGen C0009405, MeSH D003123.
Hereditary cancer-predisposing syndrome. Also called: Neoplastic Syndromes, Hereditary; Tumor predisposition; Hereditary Cancer Syndrome; Hereditary neoplastic syndrome. Identifiers: Orphanet 140162, MedGen C0027672, MeSH D009386, MONDO:0015356.

Submissions (2):

Labcorp Genetics (formerly Invitae), Labcorp
Classification: Uncertain significance for Hereditary nonpolyposis colorectal neoplasms. Last evaluated: 2024-12-16. Review status: criteria provided, single submitter. Criteria: Invitae Variant Classification Sherloc (09022015). Collection method: clinical testing. Allele origin: germline.
Comment: This sequence change replaces isoleucine, which is neutral and non-polar, with leucine, which is neutral and non-polar, at codon 360 of the PMS2 protein (p.Ile360Leu). This variant is not present in population databases (gnomAD no frequency). This variant has not been reported in the literature in individuals affected with PMS2-related conditions. ClinVar contains an entry for this variant (Variation ID: 1785409). Invitae Evidence Modeling incorporating data from in vitro experimental studies (internal data) indicates that this missense variant is not expected to disrupt PMS2 function with a negative predictive value of 95%. In summary, the available evidence is currently insufficient to determine the role of this variant in disease. Therefore, it has been classified as a Variant of Uncertain Significance.

Ambry Genetics
Classification: Uncertain significance for Hereditary cancer-predisposing syndrome. Last evaluated: 2021-01-11. Review status: criteria provided, single submitter. Criteria: Ambry Variant Classification Scheme 2023. Collection method: clinical testing. Allele origin: germline.
Comment: The p.I360L variant (also known as c.1078A>T), located in coding exon 10 of the PMS2 gene, results from an A to T substitution at nucleotide position 1078. The isoleucine at codon 360 is replaced by leucine, an amino acid with highly similar properties. This amino acid position is not well conserved in available vertebrate species. In addition, this alteration is predicted to be tolerated by in silico analysis. Since supporting evidence is limited at this time, the clinical significance of this alteration remains unclear.

NM_000535.7(PMS2):c.1078A>T (p.Ile360Leu)

Gene: PMS2 (PMS1 homolog 2, mismatch repair system component; minus strand). Cytogenetic location: 7p22.1.
Variant type: single nucleotide variant.
Coding change: c.1078A>T on transcript NM_000535.7 (MANE Select); coding-DNA position 1078, A replaced by T.
Protein change: p.Ile360Leu; replaces isoleucine 360 with leucine.
Molecular consequence: missense variant. On other transcripts: non-coding transcript variant (1), intron variant (2).
Genome position (GRCh38, 1-based): chr7:5,989,866, T>A on the plus strand (A>T on the coding strand, the complement: PMS2 is on the minus strand). VCF-style: chr7-5989866-T-A. GRCh37 (hg19) VCF-style: chr7-6029497-T-A.
Other names: c.673A>T, p.Ile225Leu (NM_001018040.1, NM_001322003.2, NM_001322004.2 and 17 more transcripts); c.760A>T, p.Ile254Leu (NM_001322007.2, NM_001322008.2, NM_001406876.1 and 2 more transcripts); c.145A>T, p.Ile49Leu (NM_001322011.2, NM_001322012.2); c.505A>T, p.Ile169Leu (NM_001322013.2, NM_001406909.1); c.1078A>T, p.Ile360Leu (NM_001322014.2, NM_001406871.1, NM_001406872.1); c.769A>T, p.Ile257Leu (NM_001322015.2, NM_001406875.1, NM_001406877.1 and 5 more transcripts); c.1264A>T, p.Ile422Leu (NM_001406866.1); c.1102A>T, p.Ile368Leu (NM_001406868.1); and 9 more; short protein forms I169L, I238L, I254L, I422L, I103L, I225L, I294L, I368L.
Identifiers: ClinVar variation 1785409 (VCV001785409.4), dbSNP rs2128747800, ClinGen allele CA366742856.